The following is an entry in ClinVar:

ClinVar aggregate classification (germline): Uncertain significance (1 of 4 stars; one submission).

Conditions:
TTN-related disorder. Also called: TTN-related condition; TTN-related disease; TTN-related disorders.

gnomAD v4.1: 3 of 1,613,710 alleles (0.00019%); highest among the groups gnomAD compares: African/African-American, 0.004%; no homozygotes.

Submission:

PreventionGenetics, part of Exact Sciences
Classification: Uncertain significance for TTN-related condition. Last evaluated: 2026-03-23. Review status: criteria provided, single submitter. Criteria: ACMG Guidelines, 2015. Collection method: clinical testing. Allele origin: germline.
Comment: The TTN c.99532G>A variant is predicted to result in the amino acid substitution p.Glu33178Lys. To our knowledge, this variant has not been reported in the literature. This variant is reported in 0.0083% of alleles in individuals of African descent in gnomAD. At this time, the clinical significance of this variant is uncertain due to the absence of conclusive functional and genetic evidence.

NM_001267550.2(TTN):c.99532G>A (p.Glu33178Lys)

Genes: TTN (titin; minus strand), TTN-AS1 (TTN antisense RNA 1; plus strand). Cytogenetic location: 2q31.2.
Variant type: single nucleotide variant.
Coding change: c.99532G>A on transcript NM_001267550.2 (MANE Select); coding-DNA position 99532, G replaced by A.
Protein change: p.Glu33178Lys; replaces glutamic acid 33178 with lysine.
Molecular consequence: missense variant. On other transcripts: non-coding transcript variant (1).
Genome position (GRCh38, 1-based): chr2:178,537,675, C>T on the plus strand (G>A on the coding strand, the complement: TTN is on the minus strand). VCF-style: chr2-178537675-C-T. GRCh37 (hg19) VCF-style: chr2-179402402-C-T.
Other names: c.94609G>A, p.Glu31537Lys (NM_001256850.1); c.72337G>A, p.Glu24113Lys (NM_003319.4); c.91828G>A, p.Glu30610Lys (NM_133378.4); c.72712G>A, p.Glu24238Lys (NM_133432.3); c.72913G>A, p.Glu24305Lys (NM_133437.4); short protein forms E24113K, E31537K, E24305K, E24238K, E30610K, E33178K.
Identifiers: ClinVar variation 4977068 (VCV004977068.1).